The following is an entry in ClinVar:

NM_000069.3(CACNA1S):c.4250T>A (p.Ile1417Asn)

Gene: CACNA1S (calcium voltage-gated channel subunit alpha1 S; minus strand). Cytogenetic location: 1q32.1.
Variant type: single nucleotide variant.
Coding change: c.4250T>A on transcript NM_000069.3 (MANE Select); coding-DNA position 4250, T replaced by A.
Protein change: p.Ile1417Asn; replaces isoleucine 1417 with asparagine.
Molecular consequence: missense variant.
Genome position (GRCh38, 1-based): chr1:201,049,091, A>T on the plus strand (T>A on the coding strand, the complement: CACNA1S is on the minus strand). VCF-style: chr1-201049091-A-T. GRCh37 (hg19) VCF-style: chr1-201018219-A-T.
Other names: c.4250T>A (NM_000069.2); short protein forms I1417N.
Identifiers: ClinVar variation 1062701 (VCV001062701.13), dbSNP rs372383822, ClinGen allele CA083203.

ClinVar aggregate classification (germline): Conflicting classifications of pathogenicity. Review status: criteria provided, conflicting classifications (1 of 4 stars). 5 submissions from 5 submitters: Uncertain significance (2); Likely benign (3). Last evaluated 2025-12-13.

Conditions:
Hypokalemic periodic paralysis, type 1. Also called: Hypokalemic Periodic Paralysis Type 1 (AD); HypoPP. Identifiers: Orphanet 681, MedGen C3714580, MONDO:0042979, OMIM 170400.
Malignant hyperthermia, susceptibility to, 5 (MHS5). Also called: CACNA1S-Related Malignant Hyperthermia Susceptibility. Identifiers: Orphanet 423, MedGen C1866077, MONDO:0011163, OMIM 601887.
Inborn genetic diseases. Identifiers: MedGen C0950123, MeSH D030342.
Thyrotoxic periodic paralysis, susceptibility to, 1 (TTPP1). Identifiers: Orphanet 79102, MedGen C2749982, MONDO:0008570, OMIM 188580.
Congenital myopathy 18. Also called: DIHYDROPYRIDINE RECEPTOR CONGENITAL MYOPATHY; DHPR CONGENITAL MYOPATHY; Myopathy, congenital, due to dihydropyridine receptor defect. Identifiers: MedGen C5830283, MONDO:0859514, OMIM 620246.

Allele frequency attached by ClinVar (database versions not stated): gnomAD 0.00003 and 0.00004; gnomAD exomes 0.00003 and 0.00009; TOPMed 0.00004; ESP Exome Variant Server 0.00008; ExAC 0.00011.
gnomAD v4.1: 50 of 1,611,520 alleles (0.0031%); highest among the groups gnomAD compares: Admixed American, 0.0017%; no homozygotes.

Submissions (5):

Labcorp Genetics (formerly Invitae), Labcorp
Classification: Likely benign for Hypokalemic periodic paralysis, type 1; Malignant hyperthermia, susceptibility to, 5. Last evaluated: 2025-12-13. Review status: criteria provided, single submitter. Criteria: Invitae Variant Classification Sherloc (09022015). Collection method: clinical testing. Allele origin: germline.

Women's Health and Genetics/Laboratory Corporation of America, LabCorp
Classification: Likely benign. Last evaluated: 2025-07-15. Review status: criteria provided, single submitter. Criteria: LabCorp Variant Classification Summary - May 2015. Collection method: clinical testing. Allele origin: germline.
Comment: Variant summary: CACNA1S c.4250T>A (p.Ile1417Asn) results in a non-conservative amino acid change in the encoded protein sequence. Algorithms developed to predict the effect of missense changes on protein structure and function are either unavailable or do not agree on the potential impact of this missense change. The variant allele was found at a frequency of 9.3e-05 in 246404 control chromosomes, predominantly at a frequency of 0.002 within the Ashkenazi Jewish (ASJ) subpopulation in the gnomAD database. The observed variant frequency within ASJ control individuals in the gnomAD database is approximately 1.8-fold of the estimated maximal expected allele frequency for a pathogenic variant in CACNA1S causing Congenital Myopathy 18-AR phenotype (0.0011). To our knowledge, no occurrence of c.4250T>A in individuals affected with Congenital Myopathy 18-AR and no experimental evidence demonstrating its impact on protein function have been reported. ClinVar contains an entry for this variant (Variation ID: 1062701). Based on the evidence outlined above, the variant was classified as likely benign.

Fulgent Genetics
Classification: Uncertain significance for Hypokalemic periodic paralysis, type 1; Thyrotoxic periodic paralysis, susceptibility to, 1; Malignant hyperthermia, susceptibility to, 5; Congenital myopathy 18. Last evaluated: 2024-04-03. Review status: criteria provided, single submitter. Criteria: ACMG Guidelines, 2015. Collection method: clinical testing. Allele origin: germline.

Color Diagnostics, LLC DBA Color Health
Classification: Likely benign for Malignant hyperthermia, susceptibility to, 5. Last evaluated: 2022-11-06. Review status: criteria provided, single submitter. Criteria: ACMG Guidelines, 2015. Collection method: clinical testing. Allele origin: germline.

Ambry Genetics
Classification: Uncertain significance for Inborn genetic diseases. Last evaluated: 2022-07-19. Review status: criteria provided, single submitter. Criteria: Ambry Variant Classification Scheme 2023. Collection method: clinical testing. Allele origin: germline.